The following is an entry in ClinVar:

ClinVar aggregate classification (germline): Likely benign (1 of 4 stars; one submission).

Submission:

CeGaT Center for Human Genetics Tuebingen
Classification: Likely benign. Last evaluated: 2025-05-01. Review status: criteria provided, single submitter. Criteria: CeGaT Center For Human Genetics Tuebingen Variant Classification Criteria Version 2. Collection method: clinical testing. Allele origin: germline. Affected: yes. Observed: 1 variant allele.
Comment: FANCE: PM2:Supporting, BP4, BP7

NM_021922.3(FANCE):c.420G>T (p.Leu140=)

Gene: FANCE (FA complementation group E; plus strand). Cytogenetic location: 6p21.31.
Variant type: single nucleotide variant.
Coding change: c.420G>T on transcript NM_021922.3 (MANE Select); coding-DNA position 420, G replaced by T.
Protein change: p.Leu140=; no amino-acid change (leucine 140 retained).
Molecular consequence: synonymous variant.
Genome position (GRCh38, 1-based): chr6:35,455,918, G>T. VCF-style: chr6-35455918-G-T. GRCh37 (hg19) VCF-style: chr6-35423695-G-T.
Other names: c.420G>T, p.Leu140= (NM_001410876.1).
Identifiers: ClinVar variation 3905875 (VCV003905875.10).
Genomic context (GRCh38, chr6:35,455,918, plus strand): 5'-TGCCCAGCAGGACCTAGCCCCTGACCCAGATGCCTGGCTCCGTGCCCTGGGGGAATTGCT[G>T]CGAAGGGATTTGGGGGTGGGGACCTCCATGGAGGGAGCTTCTCCACTGTCTGAAAGATGC-3'
Protein context (NP_068741.1, residues 130-150): DAWLRALGEL[Leu140=]RRDLGVGTSM